The following is an entry in ClinVar:

ClinVar aggregate classification (germline): Pathogenic (1 of 4 stars; one submission).

Submission:

Labcorp Genetics (formerly Invitae), Labcorp
Classification: Pathogenic. Last evaluated: 2025-07-24. Review status: criteria provided, single submitter. Criteria: Invitae Variant Classification Sherloc (09022015). Collection method: clinical testing. Allele origin: germline.
Comment: This sequence change creates a premature translational stop signal (p.Val24Glyfs*64) in the PKDCC gene. It is expected to result in an absent or disrupted protein product. Loss-of-function variants in PKDCC are known to be pathogenic (PMID: 19097194, 30478137). This variant is not present in population databases (gnomAD no frequency). This variant has not been reported in the literature in individuals affected with PKDCC-related conditions. ClinVar contains an entry for this variant (Variation ID: 3674047). For these reasons, this variant has been classified as Pathogenic.

Literature cited by the submitters: PubMed 19097194; PubMed 30478137.

NM_138370.3(PKDCC):c.71del (p.Val24fs)

Genes: PKDCC (protein kinase domain containing, cytoplasmic; plus strand), LOC129933563 (ATAC-STARR-seq lymphoblastoid silent region 11396; plus strand). Cytogenetic location: 2p21.
Variant type: Deletion.
Coding change: c.71del on transcript NM_138370.3 (MANE Select); coding-DNA position 71, one base deleted (T; older notation c.71delT).
Protein change: p.Val24fs; shifts the reading frame from valine 24.
Molecular consequence: frameshift variant.
Genome position (GRCh38, 1-based): chr2:42,048,270, T deleted. VCF-style (leftmost placement, unchanged base first): chr2-42048269-GT-G. GRCh37 (hg19) VCF-style: chr2-42275409-GT-G.
Other names: short protein forms V24fs.
Identifiers: ClinVar variation 3674047 (VCV003674047.2).